The following is an entry in ClinVar:

NM_000439.5(PCSK1):c.200ACT[1] (p.Tyr68del)

Genes: CAST (calpastatin; plus strand), PCSK1 (proprotein convertase subtilisin/kexin type 1; minus strand), LOC101929710 (uncharacterized LOC101929710; plus strand). Cytogenetic location: 5q15.
Variant type: Microsatellite.
Coding change: c.200ACT[1] on transcript NM_000439.5 (MANE Select); one copy of the 3-base unit ACT starting at c.200; the reference has two copies in a row; one copy, 3 bases deleted.
Protein change: p.Tyr68del; deletes tyrosine 68.
Molecular consequence: inframe deletion. On other transcripts: intron variant (11).
Genome position (GRCh38, 1-based): chr5:96,429,293-96,429,295, AGT deleted on the plus strand (ACT on the coding strand, the reverse complement: PCSK1 is on the minus strand); deleting any 3 consecutive bases within chr5:96,429,293-96,429,298 gives the same sequence; the position shown is the placement nearest the transcript's 3' end. VCF-style (leftmost placement, unchanged base first): chr5-96429292-AAGT-A. GRCh37 (hg19) VCF-style: chr5-95764996-AAGT-A.
Other names: c.59ACT[1], p.Tyr21del (NM_001177875.2); c.-175+49644_-175+49646del (NM_001423254.1, NM_001423259.1, NM_001423255.1 and 6 more transcripts); c.-103+49644_-103+49646del (NM_001423253.1); c.-40+49644_-40+49646del (NM_001423258.1); short protein forms Y21del, Y68del.
Identifiers: ClinVar variation 4988459 (VCV004988459.1).

ClinVar aggregate classification (germline): Uncertain significance (1 of 4 stars; one submission).

Conditions:
PCSK1-related disorder. Also called: PCSK1-related condition.

Submission:

PreventionGenetics, part of Exact Sciences
Classification: Uncertain significance for PCSK1-related condition. Last evaluated: 2026-06-03. Review status: criteria provided, single submitter. Criteria: ACMG Guidelines, 2015. Collection method: clinical testing. Allele origin: germline.
Comment: The PCSK1 c.203_205delACT variant is predicted to result in an in-frame deletion (p.Tyr68del). To our knowledge, this variant has not been reported in the literature or in a large population database (gnomAD), indicating this variant is rare. At this time, the clinical significance of this variant is uncertain due to the absence of conclusive functional and genetic evidence.